The following is an entry in ClinVar:

NM_001035.3(RYR2):c.4964A>G (p.Tyr1655Cys)

Gene: RYR2 (ryanodine receptor 2; plus strand). Cytogenetic location: 1q43.
Variant type: single nucleotide variant.
Coding change: c.4964A>G on transcript NM_001035.3 (MANE Select); coding-DNA position 4964, A replaced by G.
Protein change: p.Tyr1655Cys; replaces tyrosine 1655 with cysteine.
Molecular consequence: missense variant.
Genome position (GRCh38, 1-based): chr1:237,614,092, A>G. VCF-style: chr1-237614092-A-G. GRCh37 (hg19) VCF-style: chr1-237777392-A-G.
Other names: short protein forms Y1655C.
Identifiers: ClinVar variation 953092 (VCV000953092.12), dbSNP rs1678200182, ClinGen allele CA345403681.

ClinVar aggregate classification (germline): Uncertain significance. Review status: criteria provided, multiple submitters, no conflicts (2 of 4 stars). 2 submissions from 2 submitters: Uncertain significance (2). Last evaluated 2024-07-20.

Conditions:
Catecholaminergic polymorphic ventricular tachycardia 1. Also called: VENTRICULAR TACHYCARDIA, STRESS-INDUCED POLYMORPHIC 1; RYR2-Related Catecholaminergic Polymorphic Ventricular Tachycardia; VENTRICULAR TACHYCARDIA, CATECHOLAMINERGIC POLYMORPHIC, 1, WITH OR WITHOUT ATRIAL DYSFUNCTION AND/OR DILATED CARDIOMYOPATHY. Identifiers: Orphanet 3286, MedGen C1631597, MONDO:0011484, OMIM 604772.
Catecholaminergic polymorphic ventricular tachycardia (CVPT). Also called: Catecholamine-induced polymorphic ventricular tachycardia. Identifiers: Orphanet 3286, MedGen C5574922, MONDO:0017990.

Allele frequency attached by ClinVar (database versions not stated): TOPMed below 0.00001.
gnomAD v4.1: 2 of 1,614,020 alleles (0.00012%); highest among the groups gnomAD compares: Non-Finnish European, 0.00017%; no homozygotes.

Submissions (2):

All of Us Research Program, National Institutes of Health
Classification: Uncertain significance for Catecholaminergic polymorphic ventricular tachycardia. Last evaluated: 2024-07-20. Review status: criteria provided, single submitter. Criteria: ACMG Guidelines, 2015. Collection method: clinical testing. Allele origin: germline. Inheritance: Autosomal dominant inheritance. Observed: 1 variant allele, 1 heterozygote.
Comment: This missense variant replaces tyrosine with cysteine at codon 1655 of the RYR2 protein. Computational prediction is inconclusive regarding the impact of this variant on protein structure and function (internally defined REVEL score threshold 0.5 < inconclusive < 0.7, PMID: 27666373). To our knowledge, functional studies have not been reported for this variant. This variant has not been reported in individuals affected with RYR2-related disorders in the literature. This variant has not been identified in the general population by the Genome Aggregation Database (gnomAD). The available evidence is insufficient to determine the role of this variant in disease conclusively. Therefore, this variant is classified as a Variant of Uncertain Significance.

This study involves interpretation of variants in research participants for the purpose of population health screening. Participant phenotype was not available at the time of variant classification. Additional details can be found in publication PMID: 35346344, PMCID: PMC8962531

Labcorp Genetics (formerly Invitae), Labcorp
Classification: Uncertain significance for Catecholaminergic polymorphic ventricular tachycardia 1. Last evaluated: 2019-10-31. Review status: criteria provided, single submitter. Criteria: Invitae Variant Classification Sherloc (09022015). Collection method: clinical testing. Allele origin: germline.
Comment: This sequence change replaces tyrosine with cysteine at codon 1655 of the RYR2 protein (p.Tyr1655Cys). The tyrosine residue is highly conserved and there is a large physicochemical difference between tyrosine and cysteine. This variant is not present in population databases (ExAC no frequency). This variant has not been reported in the literature in individuals with RYR2-related conditions. Algorithms developed to predict the effect of missense changes on protein structure and function (SIFT, PolyPhen-2, Align-GVGD) all suggest that this variant is likely to be disruptive, but these predictions have not been confirmed by published functional studies and their clinical significance is uncertain. In summary, the available evidence is currently insufficient to determine the role of this variant in disease. Therefore, it has been classified as a Variant of Uncertain Significance.